The following is an entry in ClinVar:

ClinVar aggregate classification (germline): Uncertain significance (1 of 4 stars; one submission).

Conditions:
Inborn genetic diseases. Identifiers: MedGen C0950123, MeSH D030342.

Submission:

Ambry Genetics
Classification: Uncertain significance for Inborn genetic diseases. Last evaluated: 2024-10-04. Review status: criteria provided, single submitter. Criteria: Ambry Variant Classification Scheme 2023. Collection method: clinical testing. Allele origin: germline.
Comment: The p.S201N variant (also known as c.602G>A), located in coding exon 3 of the MBD4 gene, results from a G to A substitution at nucleotide position 602. The serine at codon 201 is replaced by asparagine, an amino acid with highly similar properties. This amino acid position is conserved. In addition, this alteration is predicted to be tolerated by in silico analysis. Based on the available evidence, the clinical significance of this variant remains unclear.

NM_001276270.2(MBD4):c.602G>A (p.Ser201Asn)

Gene: MBD4 (methyl-CpG binding domain 4, DNA glycosylase; minus strand). Cytogenetic location: 3q21.3.
Variant type: single nucleotide variant.
Coding change: c.602G>A on transcript NM_001276270.2 (MANE Select); coding-DNA position 602, G replaced by A.
Protein change: p.Ser201Asn; replaces serine 201 with asparagine.
Molecular consequence: missense variant. On other transcripts: intron variant (1).
Genome position (GRCh38, 1-based): chr3:129,437,042, C>T on the plus strand (G>A on the coding strand, the complement: MBD4 is on the minus strand). VCF-style: chr3-129437042-C-T. GRCh37 (hg19) VCF-style: chr3-129155885-C-T.
Other names: c.602G>A, p.Ser201Asn (NM_001276271.2, NM_001276272.2, NM_003925.3); c.247+766G>A (NM_001276273.2); short protein forms S201N.
Identifiers: ClinVar variation 3543752 (VCV003543752.1).